The following is an entry in ClinVar:

NM_000455.5(STK11):c.862+4G>A

Gene: STK11 (serine/threonine kinase 11; plus strand). Cytogenetic location: 19p13.3.
Variant type: single nucleotide variant.
Coding change: c.862+4G>A on transcript NM_000455.5 (MANE Select); 4 bases into the intron after coding-DNA position 862, G replaced by A.
Molecular consequence: intron variant.
Genome position (GRCh38, 1-based): chr19:1,221,344, G>A. VCF-style: chr19-1221344-G-A. GRCh37 (hg19) VCF-style: chr19-1221343-G-A.
Identifiers: ClinVar variation 458068 (VCV000458068.12), dbSNP rs1555738736, ClinGen allele CA658656762.

ClinVar aggregate classification (germline): Conflicting classifications of pathogenicity. Review status: criteria provided, conflicting classifications (1 of 4 stars). 6 submissions from 6 submitters: Uncertain significance (4); Likely benign (2). Last evaluated 2026-05-05.

Conditions:
Hereditary cancer-predisposing syndrome. Also called: Hereditary Cancer Syndrome; Tumor predisposition; Hereditary neoplastic syndrome; Neoplastic Syndromes, Hereditary. Identifiers: Orphanet 140162, MedGen C0027672, MeSH D009386, MONDO:0015356.
Peutz-Jeghers syndrome (PJS). Also called: POLYPOSIS, HAMARTOMATOUS INTESTINAL; POLYPS-AND-SPOTS SYNDROME; Peutz-Jeghers polyposis; Periorificial lentiginosis syndrome. Identifiers: Orphanet 2869, MedGen C0031269, MeSH D010580, MONDO:0008280, OMIM 175200.

Submissions (6):

Ambry Genetics
Classification: Likely benign for Hereditary cancer-predisposing syndrome. Last evaluated: 2026-05-05. Review status: criteria provided, single submitter. Criteria: Ambry Variant Classification Scheme 2023. Collection method: clinical testing. Allele origin: germline.

Women's Health and Genetics/Laboratory Corporation of America, LabCorp
Classification: Uncertain significance. Last evaluated: 2025-07-07. Review status: criteria provided, single submitter. Criteria: LabCorp Variant Classification Summary - May 2015. Collection method: clinical testing. Allele origin: germline.
Comment: Variant summary: STK11 c.862+4G>A alters a conserved nucleotide located close to a canonical splice site and therefore could affect mRNA splicing, leading to a significantly altered protein sequence. Consensus agreement among computation tools predict no significant impact on normal splicing. However, these predictions have yet to be confirmed by functional studies. The variant was absent in 234280 control chromosomes. The available data on variant occurrences in the general population are insufficient to allow any conclusion about variant significance. To our knowledge, no occurrence of c.862+4G>A in individuals affected with Peutz-Jeghers Syndrome and no experimental evidence demonstrating its impact on protein function have been reported. The following publication has been ascertained in the context of this evaluation (PMID: 36833268). ClinVar contains an entry for this variant (Variation ID: 458068). Based on the evidence outlined above, the variant was classified as uncertain significance.

Myriad Genetics, Inc.
Classification: Likely benign for Peutz-Jeghers syndrome. Last evaluated: 2025-03-27. Review status: criteria provided, single submitter. Criteria: Myriad Autosomal Dominant, Autosomal Recessive and X-Linked Classification Criteria (2023). Collection method: clinical testing. Allele origin: unknown.
Comment: This variant is considered likely benign. This variant is intronic and is not expected to impact mRNA splicing.

Labcorp Genetics (formerly Invitae), Labcorp
Classification: Uncertain significance for Peutz-Jeghers syndrome. Last evaluated: 2023-08-27. Review status: criteria provided, single submitter. Criteria: Invitae Variant Classification Sherloc (09022015). Collection method: clinical testing. Allele origin: germline.
Comment: In summary, the available evidence is currently insufficient to determine the role of this variant in disease. Therefore, it has been classified as a Variant of Uncertain Significance. Variants that disrupt the consensus splice site are a relatively common cause of aberrant splicing (PMID: 17576681, 9536098). Algorithms developed to predict the effect of sequence changes on RNA splicing suggest that this variant is not likely to affect RNA splicing. ClinVar contains an entry for this variant (Variation ID: 458068). This variant has not been reported in the literature in individuals affected with STK11-related conditions. This variant is not present in population databases (gnomAD no frequency). This sequence change falls in intron 6 of the STK11 gene. It does not directly change the encoded amino acid sequence of the STK11 protein. It affects a nucleotide within the consensus splice site.

Genome-Nilou Lab
Classification: Uncertain significance for Peutz-Jeghers syndrome. Last evaluated: 2021-07-15. Review status: criteria provided, single submitter. Criteria: ACMG Guidelines, 2015. Collection method: clinical testing. Allele origin: germline. Affected: no.

PreventionGenetics, part of Exact Sciences
Classification: Uncertain significance. Last evaluated: 2018-01-08. Review status: criteria provided, single submitter. Criteria: ACMG Guidelines, 2015. Collection method: clinical testing. Allele origin: germline.

Literature cited by the submitters: PubMed 36833268 (cited by Women's Health and Genetics/Laboratory Corporation of America, LabCorp); PubMed 17576681 (cited by Labcorp Genetics (formerly Invitae), Labcorp); PubMed 9536098 (cited by Labcorp Genetics (formerly Invitae), Labcorp).